The following is an entry in ClinVar:

ClinVar aggregate classification (germline): Uncertain significance (1 of 4 stars; one submission).

Submission:

Labcorp Genetics (formerly Invitae), Labcorp
Classification: Uncertain significance. Last evaluated: 2022-06-26. Review status: criteria provided, single submitter. Criteria: Invitae Variant Classification Sherloc (09022015). Collection method: clinical testing. Allele origin: germline.
Comment: In summary, the available evidence is currently insufficient to determine the role of this variant in disease. Therefore, it has been classified as a Variant of Uncertain Significance. Algorithms developed to predict the effect of missense changes on protein structure and function (SIFT, PolyPhen-2, Align-GVGD) all suggest that this variant is likely to be tolerated. This sequence change replaces serine, which is neutral and polar, with arginine, which is basic and polar, at codon 239 of the DGKZ protein (p.Ser239Arg). This variant is not present in population databases (gnomAD no frequency). This variant has not been reported in the literature in individuals affected with DGKZ-related conditions.

NM_001199267.2(DGKZ):c.162-318C>A

Gene: DGKZ (diacylglycerol kinase zeta; plus strand). Cytogenetic location: 11p11.2.
Variant type: single nucleotide variant.
Coding change: c.162-318C>A on transcript NM_001199267.2 (MANE Select); 318 bases into the intron before coding-DNA position 162, C replaced by A.
Molecular consequence: intron variant. On other transcripts: missense variant (1).
Genome position (GRCh38, 1-based): chr11:46,366,973, C>A. VCF-style: chr11-46366973-C-A. GRCh37 (hg19) VCF-style: chr11-46388523-C-A.
Other names: c.717C>A, p.Ser239Arg (NM_001105540.2); c.213-318C>A (NM_201532.3); c.177-318C>A (NM_201533.3); c.162-318C>A (NM_001199266.2, NM_003646.4, NM_001199268.2); short protein forms S239R.
Identifiers: ClinVar variation 1943356 (VCV001943356.5), dbSNP rs959302338, ClinGen allele CA380212632.
Genomic context (GRCh38, chr11:46,366,973, plus strand): 5'-ACTGTCCCGCAGGCGCCAGGTAGCCCTACGGCGCAAGGCGGCCGGACCCCAGGCCTGGAG[C>A]GCCCTGCTCGCGTAGGTATAGCTGTGGCCAGCAGGGCGAGTGGTGTGACCTCCTGTGGGT-3'